The following is an entry in ClinVar:

ClinVar aggregate classification (germline): Uncertain significance (1 of 4 stars; one submission).

Conditions:
Dyskeratosis congenita, autosomal recessive 5 (DKCB5). Identifiers: MedGen C3554656, MONDO:0014076, OMIM 615190.
Pulmonary fibrosis and/or bone marrow failure, Telomere-related, 3. Also called: PULMONARY FIBROSIS AND/OR BONE MARROW FAILURE SYNDROME, TELOMERE-RELATED, 3. Identifiers: Orphanet 2032, MedGen C4225346, MONDO:0014613, OMIM 616373.

Allele frequency attached by ClinVar (database versions not stated): TOPMed below 0.00001; gnomAD 0.00001.
gnomAD v4.1: 1 of 1,612,112 alleles (0.000062%); highest among the groups gnomAD compares: African/African-American, 0.0013%; no homozygotes.

Submission:

Labcorp Genetics (formerly Invitae), Labcorp
Classification: Uncertain significance for Dyskeratosis congenita, autosomal recessive 5; Pulmonary fibrosis and/or bone marrow failure, Telomere-related, 3. Last evaluated: 2023-05-02. Review status: criteria provided, single submitter. Criteria: Invitae Variant Classification Sherloc (09022015). Collection method: clinical testing. Allele origin: germline.
Comment: This variant is not present in population databases (gnomAD no frequency). In summary, the available evidence is currently insufficient to determine the role of this variant in disease. Therefore, it has been classified as a Variant of Uncertain Significance. Algorithms developed to predict the effect of sequence changes on RNA splicing suggest that this variant may create or strengthen a splice site. This variant has not been reported in the literature in individuals affected with RTEL1-related conditions. This sequence change falls in intron 29 of the RTEL1 gene. It does not directly change the encoded amino acid sequence of the RTEL1 protein.

NM_001283009.2(RTEL1):c.2851+10C>T

Genes: RTEL1 (regulator of telomere elongation helicase 1; plus strand), RTEL1-TNFRSF6B (RTEL1-TNFRSF6B readthrough (NMD candidate); plus strand). Cytogenetic location: 20q13.33.
Variant type: single nucleotide variant.
Coding change: c.2851+10C>T on transcript NM_001283009.2 (MANE Select); 10 bases into the intron after coding-DNA position 2851, C replaced by T.
Molecular consequence: intron variant.
Genome position (GRCh38, 1-based): chr20:63,693,013, C>T. VCF-style: chr20-63693013-C-T. GRCh37 (hg19) VCF-style: chr20-62324366-C-T.
Other names: c.2182+10C>T (NM_001283010.1); c.2923+10C>T (NM_032957.5); c.2851+10C>T (NM_016434.4).
Identifiers: ClinVar variation 2937171 (VCV002937171.3), dbSNP rs1312360021, ClinGen allele CA746517393.
Genomic context (GRCh38, chr20:63,693,013, plus strand): 5'-GTCTCGGCCCCCTCTTTGCTGAGGACCCCAAGAAGCACAACCTGCTCCAAGGTGCCCTGG[C>T]TTGCAGAGGCCACCCACCCTGAGGGCAGTGCTGCCGCCGCGTGTGGGGTGGGGGCCATCT-3'